The following is an entry in ClinVar:

NM_006662.3(SRCAP):c.295C>G (p.Gln99Glu)

Gene: SRCAP (Snf2 related CREBBP activator protein; plus strand). Cytogenetic location: 16p11.2.
Variant type: single nucleotide variant.
Coding change: c.295C>G on transcript NM_006662.3 (MANE Select); coding-DNA position 295, C replaced by G.
Protein change: p.Gln99Glu; replaces glutamine 99 with glutamic acid.
Molecular consequence: missense variant.
Genome position (GRCh38, 1-based): chr16:30,704,304, C>G. VCF-style: chr16-30704304-C-G. GRCh37 (hg19) VCF-style: chr16-30715625-C-G.
Other names: short protein forms Q99E.
Identifiers: ClinVar variation 1954964 (VCV001954964.5), dbSNP rs746908083, ClinGen allele CA8010628.

ClinVar aggregate classification (germline): Uncertain significance (1 of 4 stars; one submission).

Allele frequency attached by ClinVar (database versions not stated): gnomAD exomes below 0.00001; ExAC 0.00001; TOPMed 0.00001; gnomAD 0.00002.
gnomAD v4.1: 7 of 1,607,666 alleles (0.00044%); no homozygotes.

Submission:

Labcorp Genetics (formerly Invitae), Labcorp
Classification: Uncertain significance. Last evaluated: 2023-11-14. Review status: criteria provided, single submitter. Criteria: Invitae Variant Classification Sherloc (09022015). Collection method: clinical testing. Allele origin: germline.
Comment: This sequence change replaces glutamine, which is neutral and polar, with glutamic acid, which is acidic and polar, at codon 99 of the SRCAP protein (p.Gln99Glu). This variant is present in population databases (rs746908083, gnomAD 0.02%). This variant has not been reported in the literature in individuals affected with SRCAP-related conditions. ClinVar contains an entry for this variant (Variation ID: 1954964). Advanced modeling of protein sequence and biophysical properties (such as structural, functional, and spatial information, amino acid conservation, physicochemical variation, residue mobility, and thermodynamic stability) performed at Invitae indicates that this missense variant is not expected to disrupt SRCAP protein function with a negative predictive value of 80%. In summary, the available evidence is currently insufficient to determine the role of this variant in disease. Therefore, it has been classified as a Variant of Uncertain Significance.